The following is an entry in ClinVar:

NM_000384.3(APOB):c.2064C>T (p.Ile688=)

Gene: APOB (apolipoprotein B; minus strand). Cytogenetic location: 2p24.1.
Variant type: single nucleotide variant.
Coding change: c.2064C>T on transcript NM_000384.3 (MANE Select); coding-DNA position 2064, C replaced by T.
Protein change: p.Ile688=; no amino-acid change (isoleucine 688 retained).
Molecular consequence: synonymous variant.
Genome position (GRCh38, 1-based): chr2:21,027,831, G>A on the plus strand (C>T on the coding strand, the complement: APOB is on the minus strand). VCF-style: chr2-21027831-G-A. GRCh37 (hg19) VCF-style: chr2-21250703-G-A.
Identifiers: ClinVar variation 923785 (VCV000923785.5), dbSNP rs774188993, ClinGen allele CA055126.
Genomic context (GRCh38, chr2:21,027,831, plus strand): 5'-CTCTGTTTATGATGCTGTACAAAATGGGCTAGAGAACCTCAAACTCTTCACACTTACCTC[G>A]ATGAGGTCAGCTGAAGCAAATCCAAAGGCAGTGAGGGTAGTTTTCAGCATGCTTTCTTTA-3'
Protein context (NP_000375.3, residues 678-698): TAFGFASADL[Ile688=]EIGLEGKGFE

ClinVar aggregate classification (germline): Likely benign. Review status: criteria provided, multiple submitters, no conflicts (2 of 4 stars). 2 submissions from 2 submitters: Likely benign (2). Last evaluated 2025-10-28.

Conditions:
Cardiovascular phenotype. Identifiers: MedGen CN230736.
Familial hypercholesterolemia. Also called: Familial hypercholesterolemias; Familial hypercholesterolaemia. Identifiers: MedGen C0020445, MONDO:0005439.

Allele frequency attached by ClinVar (database versions not stated): TOPMed 0.00005; gnomAD 0.00006.
gnomAD v4.1: 25 of 1,607,644 alleles (0.0016%); highest among the groups gnomAD compares: African/African-American, 0.016%; no homozygotes.

Submissions (2):

GENinCode PLC
Classification: Likely benign for Familial hypercholesterolemia. Last evaluated: 2025-10-28. Review status: criteria provided, single submitter. Criteria: ACMG Guidelines, 2015. Collection method: clinical testing. Allele origin: germline.
Comment: This is a synonymous (silent) variant that is not predicted to impact splicing and occurs at a nucleotide which is not highly conserved. This variant has been classified as Likely Benign (BP4, BP7).

Ambry Genetics
Classification: Likely benign for Cardiovascular phenotype. Last evaluated: 2019-06-17. Review status: criteria provided, single submitter. Criteria: Ambry Variant Classification Scheme 2023. Collection method: clinical testing. Allele origin: germline.